The following is an entry in ClinVar:

NM_000051.4(ATM):c.8102T>G (p.Ile2701Arg)

Genes: ATM (ATM serine/threonine kinase; plus strand), C11orf65 (chromosome 11 open reading frame 65; minus strand). Cytogenetic location: 11q22.3.
Variant type: single nucleotide variant.
Coding change: c.8102T>G on transcript NM_000051.4 (MANE Select); coding-DNA position 8102, T replaced by G.
Protein change: p.Ile2701Arg; replaces isoleucine 2701 with arginine.
Molecular consequence: missense variant. On other transcripts: intron variant (2).
Genome position (GRCh38, 1-based): chr11:108,335,060, T>G. VCF-style: chr11-108335060-T-G. GRCh37 (hg19) VCF-style: chr11-108205787-T-G.
Other names: c.8102T>G, p.Ile2701Arg (NM_001351834.2); c.641-25989A>C (NM_001330368.2); c.*38+160A>C (NM_001351110.2); short protein forms I2701R.
Identifiers: ClinVar variation 3364320 (VCV003364320.1).

ClinVar aggregate classification (germline): Uncertain significance (1 of 4 stars; one submission).

Submission:

GeneDx
Classification: Uncertain significance. Last evaluated: 2023-11-14. Review status: criteria provided, single submitter. Criteria: GeneDx Variant Classification Process June 2021. Collection method: clinical testing. Allele origin: germline. Affected: yes.
Comment: Not observed at significant frequency in large population cohorts (gnomAD); In silico analysis supports that this missense variant does not alter protein structure/function; Has not been previously published as pathogenic or benign to our knowledge; This variant is associated with the following publications: (PMID: 34556870)